The following is an entry in ClinVar:

ClinVar aggregate classification (germline): Likely pathogenic (1 of 4 stars; one submission).

Conditions:
Deficiency of hydroxymethylglutaryl-CoA lyase (HMGCLD). Also called: HMGCL DEFICIENCY; HYDROXYMETHYLGLUTARIC ACIDURIA; HMG-CoA LYASE DEFICIENCY; Defect in leucine metabolism; 3-hydroxy-3-methylglutaric aciduria. Identifiers: Orphanet 20, MedGen C1533587, MONDO:0009520, OMIM 246450.

Submission:

Myriad Genetics, Inc.
Classification: Likely pathogenic for Deficiency of hydroxymethylglutaryl-CoA lyase. Last evaluated: 2019-05-01. Review status: criteria provided, single submitter. Criteria: Myriad Women's Health Autosomal Recessive and X-Linked Classification Criteria (2019). Collection method: clinical testing. Allele origin: unknown.
Comment: NM_000191.2(HMGCL):c.718C>T(Q240*) is expected to be pathogenic in the context of HMG-CoA lyase deficiency. This variant is predicted to lead to an abnormal or absent protein product due to the creation of a premature termination codon in HMGCL, a gene where loss-of-function variants are known to be pathogenic. Please note: this variant was assessed in the context of healthy population screening.

NM_000191.3(HMGCL):c.718C>T (p.Gln240Ter)

Gene: HMGCL (3-hydroxy-3-methylglutaryl-CoA lyase; minus strand). Cytogenetic location: 1p36.11.
Variant type: single nucleotide variant.
Coding change: c.718C>T on transcript NM_000191.3 (MANE Select); coding-DNA position 718, C replaced by T.
Protein change: p.Gln240Ter; replaces glutamine 240 with a stop codon.
Molecular consequence: nonsense.
Genome position (GRCh38, 1-based): chr1:23,808,167, G>A on the plus strand (C>T on the coding strand, the complement: HMGCL is on the minus strand). VCF-style: chr1-23808167-G-A. GRCh37 (hg19) VCF-style: chr1-24134657-G-A.
Other names: c.505C>T, p.Gln169Ter (NM_001166059.2); short protein forms Q169*, Q240*.
Identifiers: ClinVar variation 984174 (VCV000984174.3), dbSNP rs1638446514, ClinGen allele CA339023257.